The following is an entry in ClinVar:

ClinVar aggregate classification (germline): Uncertain significance (1 of 4 stars; one submission).

gnomAD v4.1: 172 of 1,537,836 alleles (0.011%); highest among the groups gnomAD compares: Non-Finnish European, 0.01%; no homozygotes.

Submission:

GeneDx
Classification: Uncertain significance. Last evaluated: 2023-06-18. Review status: criteria provided, single submitter. Criteria: GeneDx Variant Classification Process June 2021. Collection method: clinical testing. Allele origin: germline. Affected: yes.
Comment: In silico analysis supports that this missense variant has a deleterious effect on protein structure/function; Has not been previously published as pathogenic or benign to our knowledge; Reported using an alternate transcript of the gene

NC_000014.9:g.105300526T>C

Genes: BRF1 (BRF1 general transcription factor IIIB subunit; minus strand), PACS2 (phosphofurin acidic cluster sorting protein 2; plus strand). Cytogenetic location: 14q32.33.
Variant type: single nucleotide variant.
Molecular consequence: missense variant (on NM_001519.4). On other transcripts: intron variant (2).
Genome position: GRCh38 VCF-style: chr14-105300526-T-C. GRCh37 (hg19) VCF-style: chr14-105766863-T-C.
Other names: c.104A>G, p.Asn35Ser (NM_001242788.2, NM_001242790.2, NM_001519.4); c.-161-14150A>G (NM_001242787.2, NM_001242786.2); short protein forms N35S.
Identifiers: ClinVar variation 3359988 (VCV003359988.1).